The following is an entry in ClinVar:

ClinVar aggregate classification (germline): Pathogenic/Likely pathogenic. Review status: criteria provided, multiple submitters, no conflicts (2 of 4 stars). 3 submissions from 3 submitters: Pathogenic (1); Likely pathogenic (2). Last evaluated 2025-11-24.

Conditions:
VPS13B-related disorder. Also called: VPS13B-related condition.
Cohen syndrome (COH1). Also called: Cutis verticis gyrata, retinitis pigmentosa, and sensorineural deafness; PEPPER SYNDROME. Identifiers: Orphanet 193, MedGen C0265223, MONDO:0008999, OMIM 216550.

Submissions (3):

Labcorp Genetics (formerly Invitae), Labcorp
Classification: Pathogenic for Cohen syndrome. Last evaluated: 2025-11-24. Review status: criteria provided, single submitter. Criteria: Invitae Variant Classification Sherloc (09022015). Collection method: clinical testing. Allele origin: germline.
Comment: This sequence change creates a premature translational stop signal (p.Ile2857Tyrfs*13) in the VPS13B gene. It is expected to result in an absent or disrupted protein product. Loss-of-function variants in VPS13B are known to be pathogenic (PMID: 15141358, 16648375, 20461111). This variant is not present in population databases (gnomAD no frequency). This variant has not been reported in the literature in individuals affected with VPS13B-related conditions. ClinVar contains an entry for this variant (Variation ID: 1069292). For these reasons, this variant has been classified as Pathogenic.

PreventionGenetics, part of Exact Sciences
Classification: Likely pathogenic for VPS13B-related condition. Last evaluated: 2025-09-30. Review status: criteria provided, single submitter. Criteria: ACMG Guidelines, 2015. Collection method: clinical testing. Allele origin: germline.
Comment: The VPS13B c.8494_8495delAT variant is predicted to result in a frameshift and premature protein termination (p.Ile2832Tyrfs*13). To our knowledge this variant has not been reported in the literature or in a large population database (gnomAD), indicating this variant is rare. Frameshift variants in VPS13B are expected to be pathogenic. This variant is interpreted as likely pathogenic.

Natera, Inc.
Classification: Likely pathogenic for Cohen syndrome. Last evaluated: 2024-09-30. Review status: criteria provided, single submitter. Criteria: Natera Variant Classification Schema (03/2026). Collection method: clinical testing. Allele origin: germline.
Comment: The c.8569_8570delAT variant in VPS13B is a frameshift variant predicted to shift the reading frame beginning at codon 2857 and leads to a stop codon 13 codons downstream. This variant is expected to result in nonsense mediated decay, truncation, or a dysfunctional protein product. This variant is rare in the general population with a frequency below the threshold expected for the associated phenotype(s). Given the available evidence, this variant is classified as Likely Pathogenic.

Literature cited by the submitters: PubMed 15141358 (cited by Labcorp Genetics (formerly Invitae), Labcorp); PubMed 16648375 (cited by Labcorp Genetics (formerly Invitae), Labcorp); PubMed 20461111 (cited by Labcorp Genetics (formerly Invitae), Labcorp).

NM_152564.5(VPS13B):c.8494_8495del (p.Ile2832fs)

Gene: VPS13B (vacuolar protein sorting 13 homolog B; plus strand). Cytogenetic location: 8q22.2.
Variant type: Deletion.
Coding change: c.8494_8495del on transcript NM_152564.5 (MANE Select); coding-DNA positions 8494 to 8495, 2 bases deleted (AT; older notation c.8494_8495delAT).
Protein change: p.Ile2832fs; shifts the reading frame from isoleucine 2832.
Molecular consequence: frameshift variant.
Genome position (GRCh38, 1-based): chr8:99,818,761-99,818,762, AT deleted. VCF-style (leftmost placement, unchanged base first): chr8-99818760-CAT-C. GRCh37 (hg19) VCF-style: chr8-100830988-CAT-C.
Other names: c.8569_8570del, p.Ile2857fs (NM_017890.5); c.8569_8570delAT (NM_017890.4); c.8494_8495delAT (NM_152564.4); short protein forms I2832fs, I2857fs.
Identifiers: ClinVar variation 1069292 (VCV001069292.9), dbSNP rs2130813916, ClinGen allele CA2499219489.